The following is an entry in ClinVar:

ClinVar aggregate classification (germline): Uncertain significance (1 of 4 stars; one submission).

Allele frequency attached by ClinVar (database versions not stated): gnomAD exomes below 0.00001.
gnomAD v4.1: 1 of 1,208,123 alleles (0.000083%); highest among the groups gnomAD compares: Non-Finnish European, 0.00011%; no homozygotes.

Submission:

Labcorp Genetics (formerly Invitae), Labcorp
Classification: Uncertain significance. Last evaluated: 2023-12-28. Review status: criteria provided, single submitter. Criteria: Invitae Variant Classification Sherloc (09022015). Collection method: clinical testing. Allele origin: germline.
Comment: This sequence change replaces serine, which is neutral and polar, with leucine, which is neutral and non-polar, at codon 4 of the SMPX protein (p.Ser4Leu). This variant is not present in population databases (gnomAD no frequency). This variant has not been reported in the literature in individuals affected with SMPX-related conditions. An algorithm developed to predict the effect of missense changes on protein structure and function (PolyPhen-2) suggests that this variant is likely to be disruptive. In summary, the available evidence is currently insufficient to determine the role of this variant in disease. Therefore, it has been classified as a Variant of Uncertain Significance.

NM_014332.3(SMPX):c.11C>T (p.Ser4Leu)

Gene: SMPX (small muscle protein X-linked; minus strand). Cytogenetic location: Xp22.12.
Variant type: single nucleotide variant.
Coding change: c.11C>T on transcript NM_014332.3 (MANE Select); coding-DNA position 11, C replaced by T.
Protein change: p.Ser4Leu; replaces serine 4 with leucine.
Molecular consequence: missense variant. On other transcripts: non-coding transcript variant (1).
Genome position (GRCh38, 1-based): chrX:21,754,280, G>A on the plus strand (C>T on the coding strand, the complement: SMPX is on the minus strand). VCF-style: chrX-21754280-G-A. GRCh37 (hg19) VCF-style: chrX-21772398-G-A.
Other names: short protein forms S4L.
Identifiers: ClinVar variation 2805890 (VCV002805890.3), dbSNP rs2519516394, ClinGen allele CA412563346.
Genomic context (GRCh38, chrX:21,754,280, plus strand): 5'-AGGCAAGAAGTTGCAGGGCTACTTACCTGGATGGCTCTAACATTGGAAACTGGCTGTTTC[G>A]ACATATTCATGCAGTCTTATCCCTAAAAAAACAAGTAAGAAACTGTTAGAGGTGGCAGCA-3'
Protein context (NP_055147.1, residues 1-14): MNM[Ser4Leu]KQPVSNVRAI